The following is an entry in ClinVar:

ClinVar aggregate classification (germline): Conflicting classifications of pathogenicity. Review status: criteria provided, conflicting classifications (1 of 4 stars). 2 submissions from 2 submitters: Likely pathogenic (1); Uncertain significance (1). Last evaluated 2026-09-08.

Conditions:
Hereditary breast ovarian cancer syndrome. Also called: BRCA1- and BRCA2-Associated Hereditary Breast and Ovarian Cancer; Hereditary breast and/or ovarian cancer syndrome; Hereditary breast and ovarian cancer syndrome; Hereditary breast and ovarian cancer; Hereditary breast and ovarian cancer syndrome (HBOC); Breast and ovarian cancer. Identifiers: Orphanet 145, MedGen C0677776, MeSH D061325, MONDO:0003582. Disease mechanism: loss of function.

Submissions (2):

German Consortium for Hereditary Breast and Ovarian Cancer, University Hospital Cologne
Classification: Uncertain significance for Hereditary breast ovarian cancer syndrome. Last evaluated: 2026-09-08. Review status: criteria provided, single submitter. Criteria: ClinGen ATM V1.5.0. Collection method: curation. Allele origin: germline.
Comment: RNA analysis revealed inframe deletion of critical protein domain; This classification follows the ClinGen ACMG ATM v1.5.0 classification scheme; We chose these criteria: PVS1 (strong pathogenic): Splice AI DG 0,95 bei -1 von diesem Nukleotid an; in frame Deletion von Domänen-Teil, decision tree, PM2 (supporting pathogenic): absent from gnomAD v2/3/4

GeneDx
Classification: Likely pathogenic. Last evaluated: 2017-06-08. Review status: criteria provided, single submitter. Criteria: GeneDx Variant Classification (06012015). Collection method: clinical testing. Allele origin: germline. Affected: yes.
Comment: This variant is denoted ATM c.1348G>T at the cDNA level and p.Glu450Ter (E450X) at the protein level. The substitution creates a nonsense variant, which changes a Glutamic Acid to a premature stop codon (GAA>TAA), and is predicted to cause loss of normal protein function through either protein truncation or nonsense-mediated mRNA decay. Although this variant has not, to our knowledge, been reported in the literature, it is considered likely pathogenic.

NM_000051.4(ATM):c.1348G>T (p.Glu450Ter)

Gene: ATM (ATM serine/threonine kinase; plus strand). Cytogenetic location: 11q22.3.
Variant type: single nucleotide variant.
Coding change: c.1348G>T on transcript NM_000051.4 (MANE Select); coding-DNA position 1348, G replaced by T.
Protein change: p.Glu450Ter; replaces glutamic acid 450 with a stop codon.
Molecular consequence: nonsense.
Genome position (GRCh38, 1-based): chr11:108,250,813, G>T. VCF-style: chr11-108250813-G-T. GRCh37 (hg19) VCF-style: chr11-108121540-G-T.
Other names: c.1348G>T, p.Glu450Ter (NM_001351834.2); short protein forms E450*.
Identifiers: ClinVar variation 545995 (VCV000545995.3), dbSNP rs1555070786, ClinGen allele CA382533767.